The following is an entry in ClinVar:

NM_001999.4(FBN2):c.6799C>T (p.Arg2267Cys)

Gene: FBN2 (fibrillin 2; minus strand). Cytogenetic location: 5q23.3.
Variant type: single nucleotide variant.
Coding change: c.6799C>T on transcript NM_001999.4 (MANE Select); coding-DNA position 6799, C replaced by T.
Protein change: p.Arg2267Cys; replaces arginine 2267 with cysteine.
Molecular consequence: missense variant.
Genome position (GRCh38, 1-based): chr5:128,287,389, G>A on the plus strand (C>T on the coding strand, the complement: FBN2 is on the minus strand). VCF-style: chr5-128287389-G-A. GRCh37 (hg19) VCF-style: chr5-127623081-G-A.
Other names: short protein forms R2267C.
Identifiers: ClinVar variation 4767989 (VCV004767989.1).
Genomic context (GRCh38, chr5:128,287,389, plus strand): 5'-CCCTGAGGGCATAGCCAATCGGGCACGTGCATTCATAGGACCCAAAAGTGTTCATGCAGC[G>A]GAAAGCACACAGCAGTGGGTTCTGGGCACATTCGTTGATATCTGACCAAAGGAATGGACA-3'
Protein context (NP_001990.2, residues 2257-2277): CAQNPLLCAF[Arg2267Cys]CMNTFGSYEC

ClinVar aggregate classification (germline): Uncertain significance (1 of 4 stars; one submission).

Conditions:
Congenital contractural arachnodactyly (CCA). Also called: Beals-Hecht syndrome; BEALS SYNDROME; Arthrogryposis, distal, type 9. Identifiers: Orphanet 115, MedGen C0220668, MONDO:0007363, OMIM 121050.

gnomAD v4.1: 2 of 1,613,930 alleles (0.00012%); highest among the groups gnomAD compares: Non-Finnish European, 0.00017%; no homozygotes.

Submission:

Labcorp Genetics (formerly Invitae), Labcorp
Classification: Uncertain significance for Congenital contractural arachnodactyly. Last evaluated: 2025-04-04. Review status: criteria provided, single submitter. Criteria: Invitae Variant Classification Sherloc (09022015). Collection method: clinical testing. Allele origin: germline.
Comment: This sequence change replaces arginine, which is basic and polar, with cysteine, which is neutral and slightly polar, at codon 2267 of the FBN2 protein (p.Arg2267Cys). This variant is not present in population databases (gnomAD no frequency). This variant has not been reported in the literature in individuals affected with FBN2-related conditions. Invitae Evidence Modeling of protein sequence and biophysical properties (such as structural, functional, and spatial information, amino acid conservation, physicochemical variation, residue mobility, and thermodynamic stability) indicates that this missense variant is expected to disrupt FBN2 protein function with a positive predictive value of 80%. In summary, the available evidence is currently insufficient to determine the role of this variant in disease. Therefore, it has been classified as a Variant of Uncertain Significance.